The following is an entry in ClinVar:

ClinVar aggregate classification (germline): Uncertain significance (1 of 4 stars; one submission).

Allele frequency attached by ClinVar (database versions not stated): gnomAD 0.00001; TOPMed 0.00002; ESP Exome Variant Server 0.00015.
gnomAD v4.1: 3 of 1,606,550 alleles (0.00019%); highest among the groups gnomAD compares: African/African-American, 0.0027%; no homozygotes.

Submission:

Labcorp Genetics (formerly Invitae), Labcorp
Classification: Uncertain significance. Last evaluated: 2022-09-13. Review status: criteria provided, single submitter. Criteria: Invitae Variant Classification Sherloc (09022015). Collection method: clinical testing. Allele origin: germline.
Comment: This sequence change replaces isoleucine, which is neutral and non-polar, with valine, which is neutral and non-polar, at codon 247 of the PSMG2 protein (p.Ile247Val). This variant is present in population databases (rs141990092, gnomAD 0.01%). This variant has not been reported in the literature in individuals affected with PSMG2-related conditions. Algorithms developed to predict the effect of missense changes on protein structure and function (SIFT, PolyPhen-2, Align-GVGD) all suggest that this variant is likely to be tolerated. In summary, the available evidence is currently insufficient to determine the role of this variant in disease. Therefore, it has been classified as a Variant of Uncertain Significance.

NM_020232.5(PSMG2):c.739A>G (p.Ile247Val)

Gene: PSMG2 (proteasome assembly chaperone 2; plus strand). Cytogenetic location: 18p11.21.
Variant type: single nucleotide variant.
Coding change: c.739A>G on transcript NM_020232.5 (MANE Select); coding-DNA position 739, A replaced by G.
Protein change: p.Ile247Val; replaces isoleucine 247 with valine.
Molecular consequence: missense variant.
Genome position (GRCh38, 1-based): chr18:12,725,475, A>G. VCF-style: chr18-12725475-A-G. GRCh37 (hg19) VCF-style: chr18-12725474-A-G.
Other names: c.646A>G, p.Ile216Val (NM_147163.2); short protein forms I216V, I247V.
Identifiers: ClinVar variation 1962812 (VCV001962812.5), dbSNP rs141990092, ClinGen allele CA296727444.